The following is an entry in ClinVar:

NM_001347721.2(DYRK1A):c.317del (p.Lys106fs)

Gene: DYRK1A (dual specificity tyrosine phosphorylation regulated kinase 1A; plus strand). Cytogenetic location: 21q22.13.
Variant type: Deletion.
Coding change: c.317del on transcript NM_001347721.2 (MANE Select); coding-DNA position 317, one base deleted (A; older notation c.317delA).
Protein change: p.Lys106fs; shifts the reading frame from lysine 106.
Molecular consequence: frameshift variant.
Genome position (GRCh38, 1-based): chr21:37,480,654, A deleted; the last of 6 consecutive A bases (chr21:37,480,649-37,480,654); deleting any one gives the same sequence. VCF-style (leftmost placement, unchanged base first): chr21-37480648-CA-C. GRCh37 (hg19) VCF-style: chr21-38852950-CA-C.
Other names: c.317del, p.Lys106fs (NM_001347722.2, NM_130436.2); c.230del, p.Lys77fs (NM_001347723.2); c.344del, p.Lys115fs (NM_001396.5, NM_101395.2, NM_130438.2); short protein forms K106fs, K115fs, K77fs.
Identifiers: ClinVar variation 523995 (VCV000523995.2), dbSNP rs1555980192, ClinGen allele CA658799432.
Genomic context (GRCh38, chr21:37,480,648, plus strand): 5'-CCTCACAGTGATTTAAATTTTACAGTTAACACTATGTATTCTCATTTCAGGTTTACTATG[CA>C]AAAAAGAAGCGAAGACACCAACAGGGCCAGGGAGACGATTCTAGTCATAAGAAGGAACGG-3'

ClinVar aggregate classification (germline): Pathogenic (1 of 4 stars; one submission).

Submission:

GeneDx
Classification: Pathogenic. Last evaluated: 2018-03-21. Review status: criteria provided, single submitter. Criteria: GeneDx Variant Classification (06012015). Collection method: clinical testing. Allele origin: germline. Affected: yes.
Comment: The c.344delA variant in the DYRK1A gene has not been reported previously as a pathogenic variant nor as a benign variant, to our knowledge. This variant causes a frameshift starting with codon Lysine 115, changes this amino acid to an Arginine residue, and creates a premature Stop codon at position 35 of the new reading frame, denoted p.Lys115ArgfsX35. The c.344delA variant is predicted to cause loss of normal protein function either through protein truncation or nonsense-mediated mRNA decay. This variant is not observed in large population cohorts (Lek et al., 2016). We interpret c.344delA as a pathogenic variant.